The following is an entry in ClinVar:

ClinVar aggregate classification (germline): Conflicting classifications of pathogenicity. Review status: criteria provided, conflicting classifications (1 of 4 stars). 2 submissions from 2 submitters: Uncertain significance (1); Likely benign (1). Last evaluated 2025-06-11.

Allele frequency attached by ClinVar (database versions not stated): gnomAD exomes 0.00010; ExAC 0.00013.
gnomAD v4.1: 76 of 1,613,970 alleles (0.0047%); highest among the groups gnomAD compares: South Asian, 0.083%; 1 homozygote.

Submissions (2):

Revvity Omics, Revvity
Classification: Uncertain significance. Last evaluated: 2025-06-11. Review status: criteria provided, single submitter. Criteria: ACMG Guidelines, 2015. Collection method: clinical testing. Allele origin: germline.

GeneDx
Classification: Likely benign. Last evaluated: 2018-01-24. Review status: criteria provided, single submitter. Criteria: GeneDx Variant Classification (06012015). Collection method: clinical testing. Allele origin: germline. Affected: yes.
Comment: This variant is considered likely benign or benign based on one or more of the following criteria: it is a conservative change, it occurs at a poorly conserved position in the protein, it is predicted to be benign by multiple in silico algorithms, and/or has population frequency not consistent with disease.

NM_001267550.2(TTN):c.9523G>A (p.Val3175Ile)

Gene: TTN (titin; minus strand). Cytogenetic location: 2q31.2.
Variant type: single nucleotide variant.
Coding change: c.9523G>A on transcript NM_001267550.2 (MANE Select); coding-DNA position 9523, G replaced by A.
Protein change: p.Val3175Ile; replaces valine 3175 with isoleucine.
Molecular consequence: missense variant.
Genome position (GRCh38, 1-based): chr2:178,766,561, C>T on the plus strand (G>A on the coding strand, the complement: TTN is on the minus strand). VCF-style: chr2-178766561-C-T. GRCh37 (hg19) VCF-style: chr2-179631288-C-T.
Other names: c.9523G>A, p.Val3175Ile (NM_001256850.1, NM_133378.4, NM_133379.5); c.9385G>A, p.Val3129Ile (NM_003319.4, NM_133432.3, NM_133437.4); short protein forms V3175I, V3129I.
Identifiers: ClinVar variation 514948 (VCV000514948.2), dbSNP rs762667276, ClinGen allele CA2004295.